The following is an entry in ClinVar:

NM_014795.4(ZEB2):c.1603G>A (p.Glu535Lys)

Gene: ZEB2 (zinc finger E-box binding homeobox 2; minus strand). Cytogenetic location: 2q22.3.
Variant type: single nucleotide variant.
Coding change: c.1603G>A on transcript NM_014795.4 (MANE Select); coding-DNA position 1603, G replaced by A.
Protein change: p.Glu535Lys; replaces glutamic acid 535 with lysine.
Molecular consequence: missense variant.
Genome position (GRCh38, 1-based): chr2:144,399,584, C>T on the plus strand (G>A on the coding strand, the complement: ZEB2 is on the minus strand). VCF-style: chr2-144399584-C-T. GRCh37 (hg19) VCF-style: chr2-145157151-C-T.
Other names: c.1531G>A, p.Glu511Lys (NM_001171653.2); short protein forms E511K, E535K.
Identifiers: ClinVar variation 3765863 (VCV003765863.1).

ClinVar aggregate classification (germline): Uncertain significance (1 of 4 stars; one submission).

Submission:

Greenwood Genetic Center Diagnostic Laboratories, Greenwood Genetic Center
Classification: Uncertain significance. Last evaluated: 2024-07-02. Review status: criteria provided, single submitter. Criteria: ACMG Guidelines, 2015. Collection method: clinical testing. Allele origin: germline. Affected: yes.
Comment: PM2, PP2